The following is an entry in ClinVar:

ClinVar aggregate classification (germline): Uncertain significance (1 of 4 stars; one submission).

Submission:

GeneDx
Classification: Uncertain significance. Last evaluated: 2025-04-07. Review status: criteria provided, single submitter. Criteria: GeneDx Variant Classification Process June 2021. Collection method: clinical testing. Allele origin: germline. Affected: yes.
Comment: Not observed at significant frequency in large population cohorts (gnomAD); Nonsense variant predicted to result in protein truncation or nonsense mediated decay in a gene or region of a gene for which loss of function is not a well-established mechanism of disease; Has not been previously published as pathogenic or benign to our knowledge

NM_002971.6(SATB1):c.304A>T (p.Arg102Ter)

Gene: SATB1 (SATB homeobox 1; minus strand). Cytogenetic location: 3p24.3.
Variant type: single nucleotide variant.
Coding change: c.304A>T on transcript NM_002971.6 (MANE Select); coding-DNA position 304, A replaced by T.
Protein change: p.Arg102Ter; replaces arginine 102 with a stop codon.
Molecular consequence: nonsense.
Genome position (GRCh38, 1-based): chr3:18,416,986, T>A on the plus strand (A>T on the coding strand, the complement: SATB1 is on the minus strand). VCF-style: chr3-18416986-T-A. GRCh37 (hg19) VCF-style: chr3-18458478-T-A.
Other names: c.304A>T, p.Arg102Ter (NM_001131010.4, NM_001195470.3, NM_001322871.2 and 4 more transcripts); c.88A>T, p.Arg30Ter (NM_001322876.2); short protein forms R102*, R30*.
Identifiers: ClinVar variation 4281831 (VCV004281831.1).